The following is an entry in ClinVar:

ClinVar aggregate classification (germline): Pathogenic (1 of 4 stars; one submission).

Submission:

Labcorp Genetics (formerly Invitae), Labcorp
Classification: Pathogenic. Last evaluated: 2023-08-10. Review status: criteria provided, single submitter. Criteria: Invitae Variant Classification Sherloc (09022015). Collection method: clinical testing. Allele origin: germline.
Comment: For these reasons, this variant has been classified as Pathogenic. ClinVar contains an entry for this variant (Variation ID: 1509882). This variant has not been reported in the literature in individuals affected with IMPG1-related conditions. This variant is not present in population databases (gnomAD no frequency). This sequence change creates a premature translational stop signal (p.Leu547Ilefs*20) in the IMPG1 gene. It is expected to result in an absent or disrupted protein product. Loss-of-function variants in IMPG1 are known to be pathogenic (PMID: 23993198).

Literature cited by the submitters: PubMed 23993198.

NM_001563.4(IMPG1):c.1634_1638dup (p.Leu547fs)

Gene: IMPG1 (interphotoreceptor matrix proteoglycan 1; minus strand). Cytogenetic location: 6q14.1.
Variant type: Duplication.
Coding change: c.1634_1638dup on transcript NM_001563.4 (MANE Select); coding-DNA positions 1634 to 1638, 5 bases duplicated (ATTTC; older notation c.1634_1638dupATTTC).
Protein change: p.Leu547fs; shifts the reading frame from leucine 547.
Molecular consequence: frameshift variant.
Genome position (GRCh38, 1-based): chr6:75,950,748-75,950,752, GAAAT duplicated on the plus strand (ATTTC on the coding strand, the reverse complement: IMPG1 is on the minus strand); duplicating any 5 consecutive bases within chr6:75,950,748-75,950,754 gives the same sequence; the c. name uses the placement nearest the transcript's 3' end. VCF-style (leftmost placement, unchanged base first): chr6-75950747-A-AGAAAT. GRCh37 (hg19) VCF-style: chr6-76660464-A-AGAAAT.
Other names: c.1400_1404dup, p.Leu469fs (NM_001282368.2); short protein forms L469fs, L547fs.
Identifiers: ClinVar variation 1509882 (VCV001509882.6), dbSNP rs2149457526, ClinGen allele CA2573141153.